The following is an entry in ClinVar:

ClinVar aggregate classification (germline): Conflicting classifications of pathogenicity. Review status: criteria provided, conflicting classifications (1 of 4 stars). 8 submissions from 8 submitters: Uncertain significance (2); Likely benign (4). 2 of the submissions do not count toward it. Last evaluated 2026-01-06.

Conditions:
Breast and/or ovarian cancer. Identifiers: MedGen CN221562.
Hereditary cancer-predisposing syndrome. Also called: Hereditary neoplastic syndrome; Tumor predisposition; Neoplastic Syndromes, Hereditary; Hereditary Cancer Syndrome. Identifiers: Orphanet 140162, MedGen C0027672, MeSH D009386, MONDO:0015356.
Hereditary breast ovarian cancer syndrome. Also called: Breast and ovarian cancer; Hereditary breast and ovarian cancer syndrome; Hereditary breast and ovarian cancer; Hereditary breast and/or ovarian cancer syndrome; Hereditary breast and ovarian cancer syndrome (HBOC); BRCA1- and BRCA2-Associated Hereditary Breast and Ovarian Cancer. Identifiers: Orphanet 145, MedGen C0677776, MeSH D061325, MONDO:0003582. Disease mechanism: loss of function.
Familial cancer of breast. Also called: Hereditary breast cancer; BREAST CANCER, FAMILIAL; hereditary breast carcinoma. Identifiers: Orphanet 227535, MedGen C0346153, MONDO:0016419, OMIM 114480. Disease mechanism: loss of function.
Ataxia-telangiectasia syndrome (AT). Also called: LOUIS-BAR SYNDROME; ATAXIA-TELANGIECTASIA, COMPLEMENTATION GROUP A; ATAXIA-TELANGIECTASIA, FRESNO VARIANT; Ataxia-telangiectasia; Ataxia telangiectasia (A-T); Cerebello-oculocutaneous telangiectasia. Identifiers: Orphanet 100, MedGen C0004135, MONDO:0008840, OMIM 208900.

Allele frequency attached by ClinVar (database versions not stated): TOPMed below 0.00001; gnomAD exomes 0.00001.
gnomAD v4.1: 10 of 1,605,164 alleles (0.00062%); highest among the groups gnomAD compares: African/African-American, 0.0013%; no homozygotes.

Submissions (8):

Labcorp Genetics (formerly Invitae), Labcorp
Classification: Likely benign for Ataxia-telangiectasia syndrome. Last evaluated: 2026-01-06. Review status: criteria provided, single submitter. Criteria: Invitae Variant Classification Sherloc (09022015). Collection method: clinical testing. Allele origin: germline.

German Consortium for Hereditary Breast and Ovarian Cancer, University Hospital Cologne
Classification: Uncertain significance for Hereditary breast ovarian cancer syndrome. Last evaluated: 2025-01-14. Review status: criteria provided, single submitter. Criteria: ClinGen ATM V1.3.0. Collection method: curation. Allele origin: germline.
Comment: According to the ClinGen ACMG ATM v1.3.0 criteria we chose this criterion: BP4 (supporting benign): SpliceAI shows impact on splicing.

Myriad Genetics, Inc.
Classification: Likely benign for Familial cancer of breast. Last evaluated: 2024-05-21. Review status: criteria provided, single submitter. Criteria: Myriad Autosomal Dominant, Autosomal Recessive and X-Linked Classification Criteria (2023). Collection method: clinical testing. Allele origin: unknown.
Comment: This variant is considered likely benign. This variant is intronic and is not expected to impact mRNA splicing.

CHEO Genetics Diagnostic Laboratory, Children's Hospital of Eastern Ontario
Classification: Uncertain significance for Breast and/or ovarian cancer. Last evaluated: 2022-08-24. Review status: criteria provided, single submitter. Criteria: ACMG Guidelines, 2015. Collection method: clinical testing. Allele origin: germline.

GeneDx
Classification: Likely benign. Last evaluated: 2017-05-22. Review status: criteria provided, single submitter. Criteria: GeneDx Variant Classification (06012015). Collection method: clinical testing. Allele origin: germline. Affected: yes.
Comment: This variant is considered likely benign or benign based on one or more of the following criteria: it is a conservative change, it occurs at a poorly conserved position in the protein, it is predicted to be benign by multiple in silico algorithms, and/or has population frequency not consistent with disease.

Color Diagnostics, LLC DBA Color Health
Classification: Likely benign for Hereditary cancer-predisposing syndrome. Last evaluated: 2016-02-23. Review status: criteria provided, single submitter. Criteria: ACMG Guidelines, 2015. Collection method: clinical testing. Allele origin: germline.

Clinical Genetics Laboratory, Department of Pathology, Netherlands Cancer Institute
Classification: Likely benign. Review status: no assertion criteria provided. Collection method: clinical testing. Allele origin: germline. Affected: yes. Study: VKGL Data-share Consensus. Not counted in ClinVar's aggregate classification.

Joint Genome Diagnostic Labs from Nijmegen and Maastricht, Radboudumc and MUMC+
Classification: Likely benign. Review status: no assertion criteria provided. Collection method: clinical testing. Allele origin: germline. Affected: yes. Study: VKGL Data-share Consensus. Not counted in ClinVar's aggregate classification.

NM_000051.4(ATM):c.4910-16A>T

Gene: ATM (ATM serine/threonine kinase; plus strand). Cytogenetic location: 11q22.3.
Variant type: single nucleotide variant.
Coding change: c.4910-16A>T on transcript NM_000051.4 (MANE Select); 16 bases into the intron before coding-DNA position 4910, A replaced by T.
Molecular consequence: intron variant.
Genome position (GRCh38, 1-based): chr11:108,297,271, A>T. VCF-style: chr11-108297271-A-T. GRCh37 (hg19) VCF-style: chr11-108167998-A-T.
Other names: c.4910-16A>T (NM_001351834.2).
Identifiers: ClinVar variation 382833 (VCV000382833.16), dbSNP rs866500582, ClinGen allele CA16605798.